The following is an entry in ClinVar:

ClinVar aggregate classification (germline): Uncertain significance (1 of 4 stars; one submission).

Allele frequency attached by ClinVar (database versions not stated): gnomAD exomes below 0.00001; ExAC 0.00001; gnomAD 0.00004; TOPMed 0.00005.
gnomAD v4.1: 8 of 1,612,966 alleles (0.0005%); highest among the groups gnomAD compares: African/African-American, 0.011%; no homozygotes.

Submission:

Labcorp Genetics (formerly Invitae), Labcorp
Classification: Uncertain significance. Last evaluated: 2023-08-24. Review status: criteria provided, single submitter. Criteria: Invitae Variant Classification Sherloc (09022015). Collection method: clinical testing. Allele origin: germline.
Comment: ClinVar contains an entry for this variant (Variation ID: 2183693). This variant has not been reported in the literature in individuals affected with DSCAML1-related conditions. This variant is present in population databases (rs372562132, gnomAD 0.01%). This sequence change replaces alanine, which is neutral and non-polar, with valine, which is neutral and non-polar, at codon 766 of the DSCAML1 protein (p.Ala766Val). An algorithm developed to predict the effect of missense changes on protein structure and function (PolyPhen-2) suggests that this variant is likely to be disruptive. In summary, the available evidence is currently insufficient to determine the role of this variant in disease. Therefore, it has been classified as a Variant of Uncertain Significance.

NM_020693.4(DSCAML1):c.2117C>T (p.Ala706Val)

Gene: DSCAML1 (DS cell adhesion molecule like 1; minus strand). Cytogenetic location: 11q23.3.
Variant type: single nucleotide variant.
Coding change: c.2117C>T on transcript NM_020693.4 (MANE Select); coding-DNA position 2117, C replaced by T.
Protein change: p.Ala706Val; replaces alanine 706 with valine.
Molecular consequence: missense variant.
Genome position (GRCh38, 1-based): chr11:117,504,989, G>A on the plus strand (C>T on the coding strand, the complement: DSCAML1 is on the minus strand). VCF-style: chr11-117504989-G-A. GRCh37 (hg19) VCF-style: chr11-117375704-G-A.
Other names: c.2117C>T, p.Ala706Val (NM_001367904.1); short protein forms A706V.
Identifiers: ClinVar variation 2183693 (VCV002183693.4), dbSNP rs372562132, ClinGen allele CA6297099.